The following is an entry in ClinVar:

ClinVar aggregate classification (germline): Uncertain significance. Review status: criteria provided, multiple submitters, no conflicts (2 of 4 stars). 2 submissions from 2 submitters: Uncertain significance (2). Last evaluated 2025-12-20.

Conditions:
Seizures, benign familial infantile, 3 (BFIS3). Also called: CONVULSIONS, BENIGN FAMILIAL INFANTILE, 3; Familial neonatal seizures. Identifiers: Orphanet 140927, Orphanet 306, MedGen C1843140, MONDO:0011904, OMIM 607745.
Developmental and epileptic encephalopathy, 11 (DEE11). Also called: Early infantile epileptic encephalopathy 11. Identifiers: Orphanet 1934, MedGen C3150987, MONDO:0013388, OMIM 613721.

Submissions (2):

GeneDx
Classification: Uncertain significance. Last evaluated: 2025-12-20. Review status: criteria provided, single submitter. Criteria: GeneDx Variant Classification Process June 2021. Collection method: clinical testing. Allele origin: germline.
Comment: Not observed at significant frequency in large population cohorts (gnomAD); In silico analysis supports that this missense variant has a deleterious effect on protein structure/function; Has not been previously published as pathogenic or benign to our knowledge; This substitution is predicted to be within the transmembrane segment S6 of the second homologous domain

Labcorp Genetics (formerly Invitae), Labcorp
Classification: Uncertain significance for Seizures, benign familial infantile, 3; Developmental and epileptic encephalopathy, 11. Last evaluated: 2020-12-27. Review status: criteria provided, single submitter. Criteria: Invitae Variant Classification Sherloc (09022015). Collection method: clinical testing. Allele origin: germline.
Comment: In summary, the available evidence is currently insufficient to determine the role of this variant in disease. Therefore, it has been classified as a Variant of Uncertain Significance. Algorithms developed to predict the effect of missense changes on protein structure and function are either unavailable or do not agree on the potential impact of this missense change (SIFT: "Deleterious"; PolyPhen-2: "Probably Damaging"; Align-GVGD: "Class C0"). This variant has not been reported in the literature in individuals with SCN2A-related conditions. This variant is not present in population databases (ExAC no frequency). This sequence change replaces phenylalanine with serine at codon 963 of the SCN2A protein (p.Phe963Ser). The phenylalanine residue is highly conserved and there is a large physicochemical difference between phenylalanine and serine.

NM_001040142.2(SCN2A):c.2888T>C (p.Phe963Ser)

Gene: SCN2A (sodium voltage-gated channel alpha subunit 2; plus strand). Cytogenetic location: 2q24.3.
Variant type: single nucleotide variant.
Coding change: c.2888T>C on transcript NM_001040142.2 (MANE Select); coding-DNA position 2888, T replaced by C.
Protein change: p.Phe963Ser; replaces phenylalanine 963 with serine.
Molecular consequence: missense variant.
Genome position (GRCh38, 1-based): chr2:165,344,880, T>C. VCF-style: chr2-165344880-T-C. GRCh37 (hg19) VCF-style: chr2-166201390-T-C.
Other names: c.2888T>C, p.Phe963Ser (NM_001040143.2, NM_001371246.1, NM_001371247.1 and 1 more transcripts); c.2888T>C (NM_021007.2); short protein forms F963S.
Identifiers: ClinVar variation 1009108 (VCV001009108.11), dbSNP rs1699488989, ClinGen allele CA349016454.
Genomic context (GRCh38, chr2:165,344,880, plus strand): 5'-GGATAGAGACCATGTGGGACTGTATGGAGGTCGCTGGCCAAACCATGTGCCTTACTGTCT[T>C]CATGATGGTCATGGTGATTGGAAATCTAGTGGTATGTAGCAAAAACATTTTCCTCATTTT-3'
Protein context (NP_001035232.1, residues 953-973): VAGQTMCLTV[Phe963Ser]MMVMVIGNLV